The following is an entry in ClinVar:

ClinVar aggregate classification (germline): Likely benign (1 of 4 stars; one submission).

Conditions:
EP300-related disorder. Also called: EP300-related condition; EP300-related disorders.

gnomAD v4.1: 4 of 1,611,380 alleles (0.00025%); highest among the groups gnomAD compares: South Asian, 0.0022%; no homozygotes.

Submission:

PreventionGenetics, part of Exact Sciences
Classification: Likely benign for EP300-related condition. Last evaluated: 2025-12-10. Review status: criteria provided, single submitter. Criteria: ACMG Guidelines, 2015. Collection method: clinical testing. Allele origin: germline.
Comment: This variant is classified as likely benign based on ACMG/AMP sequence variant interpretation guidelines (Richards et al. 2015 PMID: 25741868, with internal and published modifications).

NM_001429.4(EP300):c.4617+6G>A

Gene: EP300 (EP300 lysine acetyltransferase; plus strand). Cytogenetic location: 22q13.2.
Variant type: single nucleotide variant.
Coding change: c.4617+6G>A on transcript NM_001429.4 (MANE Select); 6 bases into the intron after coding-DNA position 4617, G replaced by A.
Molecular consequence: intron variant.
Genome position (GRCh38, 1-based): chr22:41,172,669, G>A. VCF-style: chr22-41172669-G-A. GRCh37 (hg19) VCF-style: chr22-41568673-G-A.
Other names: c.4539+6G>A (NM_001362843.2).
Identifiers: ClinVar variation 4994503 (VCV004994503.1).